The following is an entry in ClinVar:

ClinVar aggregate classification (germline): Uncertain significance (1 of 4 stars; one submission).

Submission:

CeGaT Center for Human Genetics Tuebingen
Classification: Uncertain significance. Last evaluated: 2024-09-01. Review status: criteria provided, single submitter. Criteria: CeGaT Center For Human Genetics Tuebingen Variant Classification Criteria Version 2. Collection method: clinical testing. Allele origin: germline. Affected: yes. Observed: 1 variant allele.
Comment: MAP7D3: PM2, BP4

NM_024597.4(MAP7D3):c.1382C>G (p.Ser461Cys)

Gene: MAP7D3 (MAP7 domain containing 3; minus strand). Cytogenetic location: Xq26.3.
Variant type: single nucleotide variant.
Coding change: c.1382C>G on transcript NM_024597.4 (MANE Select); coding-DNA position 1382, C replaced by G.
Protein change: p.Ser461Cys; replaces serine 461 with cysteine.
Molecular consequence: missense variant.
Genome position (GRCh38, 1-based): chrX:136,231,575, G>C on the plus strand (C>G on the coding strand, the complement: MAP7D3 is on the minus strand). VCF-style: chrX-136231575-G-C. GRCh37 (hg19) VCF-style: chrX-135313734-G-C.
Other names: c.1328C>G, p.Ser443Cys (NM_001173516.1); c.1277C>G, p.Ser426Cys (NM_001173517.2); short protein forms S426C, S443C, S461C.
Identifiers: ClinVar variation 3389542 (VCV003389542.14).